The following is an entry in ClinVar:

ClinVar aggregate classification (germline): Benign. Review status: criteria provided, multiple submitters, no conflicts (2 of 4 stars). 2 submissions from 2 submitters: Benign (2). Last evaluated 2018-06-19.

Allele frequency attached by ClinVar (database versions not stated): gnomAD 0.65081 and 0.65314; TOPMed 0.65117; gnomAD exomes 0.65242; 1000 Genomes Project 30x 0.67286; 1000 Genomes Project 0.67412.
gnomAD v4.1: 406,997 of 624,434 alleles (65%); highest among the groups gnomAD compares: Admixed American, 75%; 133,453 homozygotes.

Submissions (2):

GeneDx
Classification: Benign. Last evaluated: 2018-06-19. Review status: criteria provided, single submitter. Criteria: GeneDx Variant Classification (06012015). Collection method: clinical testing. Allele origin: germline. Affected: yes.
Comment: This variant is considered likely benign or benign based on one or more of the following criteria: it is a conservative change, it occurs at a poorly conserved position in the protein, it is predicted to be benign by multiple in silico algorithms, and/or has population frequency not consistent with disease.

Breakthrough Genomics
Classification: Benign. Review status: criteria provided, single submitter. Criteria: ACMG Guidelines, 2015. Collection method: not provided. Allele origin: germline. Inheritance: Autosomal recessive inheritance. Affected: yes.

NM_000308.4(CTSA):c.777+242C>T

Gene: CTSA (cathepsin A; plus strand). Cytogenetic location: 20q13.12.
Variant type: single nucleotide variant.
Coding change: c.777+242C>T on transcript NM_000308.4 (MANE Select); 242 bases into the intron after coding-DNA position 777, C replaced by T.
Molecular consequence: intron variant.
Genome position (GRCh38, 1-based): chr20:45,894,314, C>T. VCF-style: chr20-45894314-C-T. GRCh37 (hg19) VCF-style: chr20-44522953-C-T.
Other names: c.777+242C>T (NM_001127695.3); c.726+242C>T (NM_001167594.3).
Identifiers: ClinVar variation 683634 (VCV000683634.3), dbSNP rs2075963, ClinGen allele CA14798973.